The following is an entry in ClinVar:

NM_004525.3(LRP2):c.8081T>C (p.Val2694Ala)

Gene: LRP2 (LDL receptor related protein 2; minus strand). Cytogenetic location: 2q31.1.
Variant type: single nucleotide variant.
Coding change: c.8081T>C on transcript NM_004525.3 (MANE Select); coding-DNA position 8081, T replaced by C.
Protein change: p.Val2694Ala; replaces valine 2694 with alanine.
Molecular consequence: missense variant.
Genome position (GRCh38, 1-based): chr2:169,202,884, A>G on the plus strand (T>C on the coding strand, the complement: LRP2 is on the minus strand). VCF-style: chr2-169202884-A-G. GRCh37 (hg19) VCF-style: chr2-170059394-A-G.
Other names: short protein forms V2694A.
Identifiers: ClinVar variation 2028386 (VCV002028386.4), dbSNP rs2545798329, ClinGen allele CA349166244.
Genomic context (GRCh38, chr2:169,202,884, plus strand): 5'-GAGATGCAGCGCCCATTGGAGCAGGTGAAGGAAGATGCACCACATCGTTCACCATTGTCC[A>G]CAATGCAGTGCTTCCTGTTGTTGGCCAAATACCAGTTGCCCTCATGTGGACACTGGCACT-3'
Protein context (NP_004516.2, residues 2684-2704): YLANNRKHCI[Val2694Ala]DNGERCGASS

ClinVar aggregate classification (germline): Uncertain significance (1 of 4 stars; one submission).

Submission:

Labcorp Genetics (formerly Invitae), Labcorp
Classification: Uncertain significance. Last evaluated: 2024-10-08. Review status: criteria provided, single submitter. Criteria: Invitae Variant Classification Sherloc (09022015). Collection method: clinical testing. Allele origin: germline.
Comment: This sequence change replaces valine, which is neutral and non-polar, with alanine, which is neutral and non-polar, at codon 2694 of the LRP2 protein (p.Val2694Ala). This variant is not present in population databases (gnomAD no frequency). This variant has not been reported in the literature in individuals affected with LRP2-related conditions. ClinVar contains an entry for this variant (Variation ID: 2028386). Invitae Evidence Modeling of protein sequence and biophysical properties (such as structural, functional, and spatial information, amino acid conservation, physicochemical variation, residue mobility, and thermodynamic stability) has been performed for this missense variant. However, the output from this modeling did not meet the statistical confidence thresholds required to predict the impact of this variant on LRP2 protein function. In summary, the available evidence is currently insufficient to determine the role of this variant in disease. Therefore, it has been classified as a Variant of Uncertain Significance.